The following is an entry in ClinVar:

ClinVar aggregate classification (germline): Likely pathogenic (1 of 4 stars; one submission).

Conditions:
X-linked Alport syndrome (ATS1). Also called: COL4A5-Related Nephropathy; NEPHROPATHY AND DEAFNESS, X-LINKED. Identifiers: Orphanet 63, Orphanet 88917, MedGen C4746986, MONDO:0010520, OMIM 301050.

Submission:

MVZ Medizinische Genetik Mainz
Classification: Likely pathogenic for X-linked Alport syndrome. Last evaluated: 2021-09-28. Review status: criteria provided, single submitter. Criteria: UK Practice Guidelines For Variant Classification V4 01 2020. Collection method: clinical testing. Allele origin: germline. Inheritance: Unknown mechanism. Affected: yes. Observed: 2 variant alleles.
Comment: ACMG Criteria: PM1, PM5, PM2_SUP, PP2, PP3, PP4 (ACMG Version 3)

NM_033380.3(COL4A5):c.4706G>C (p.Arg1569Pro)

Gene: COL4A5 (collagen type IV alpha 5 chain; plus strand). Cytogenetic location: Xq22.3.
Variant type: single nucleotide variant.
Coding change: c.4706G>C on transcript NM_033380.3 (MANE Select); coding-DNA position 4706, G replaced by C.
Protein change: p.Arg1569Pro; replaces arginine 1569 with proline.
Molecular consequence: missense variant.
Genome position (GRCh38, 1-based): chrX:108,692,925, G>C. VCF-style: chrX-108692925-G-C. GRCh37 (hg19) VCF-style: chrX-107936155-G-C.
Other names: c.4688G>C, p.Arg1563Pro (NM_000495.5); short protein forms R1563P, R1569P.
Identifiers: ClinVar variation 3235211 (VCV003235211.1), dbSNP rs281874743.